The following is an entry in ClinVar:

NM_004946.3(DOCK2):c.279G>T (p.Thr93=)

Gene: DOCK2 (dedicator of cytokinesis 2; plus strand). Cytogenetic location: 5q35.1.
Variant type: single nucleotide variant.
Coding change: c.279G>T on transcript NM_004946.3 (MANE Select); coding-DNA position 279, G replaced by T.
Protein change: p.Thr93=; no amino-acid change (threonine 93 retained).
Molecular consequence: synonymous variant. On other transcripts: non-coding transcript variant (1).
Genome position (GRCh38, 1-based): chr5:169,671,132, G>T. VCF-style: chr5-169671132-G-T. GRCh37 (hg19) VCF-style: chr5-169098136-G-T.
Other names: c.279G>T, p.Thr93= (LRG_1227t1).
Identifiers: ClinVar variation 476008 (VCV000476008.38), dbSNP rs144632263, ClinGen allele CA3553125.

ClinVar aggregate classification (germline): Benign/Likely benign. Review status: criteria provided, multiple submitters, no conflicts (2 of 4 stars). 5 submissions from 5 submitters: Benign (1); Likely benign (4). Last evaluated 2026-08-25.

Conditions:
DOCK2 deficiency. Also called: Immunodeficiency 40. Identifiers: Orphanet 447737, MedGen C4225328, MONDO:0014637, OMIM 616433.
DOCK2-related disorder. Also called: DOCK2-related condition.

Allele frequency attached by ClinVar (database versions not stated): gnomAD exomes 0.00078; gnomAD 0.00201; ESP Exome Variant Server 0.00215; 1000 Genomes Project 0.00220; TOPMed 0.00226; 1000 Genomes Project 30x 0.00234.
gnomAD v4.1: 1,149 of 1,614,012 alleles (0.071%); highest among the groups gnomAD compares: African/African-American, 0.65%; 2 homozygotes.

Submissions (5):

PreventionGenetics, part of Exact Sciences
Classification: Likely benign for DOCK2-related condition. Last evaluated: 2026-08-25. Review status: criteria provided, single submitter. Criteria: ACMG Guidelines, 2015. Collection method: clinical testing. Allele origin: germline.
Comment: This variant is classified as likely benign based on ACMG/AMP sequence variant interpretation guidelines (Richards et al. 2015 PMID: 25741868, with internal and published modifications).

Women's Health and Genetics/Laboratory Corporation of America, LabCorp
Classification: Likely benign. Last evaluated: 2026-01-23. Review status: criteria provided, single submitter. Criteria: LabCorp Variant Classification Summary - May 2015. Collection method: clinical testing. Allele origin: germline.

Labcorp Genetics (formerly Invitae), Labcorp
Classification: Benign for DOCK2 deficiency. Last evaluated: 2026-01-19. Review status: criteria provided, single submitter. Criteria: Invitae Variant Classification Sherloc (09022015). Collection method: clinical testing. Allele origin: germline.

Blueprint Genetics
Classification: Likely benign. Last evaluated: 2024-11-25. Review status: criteria provided, single submitter. Criteria: ACMG Guidelines, 2015. Collection method: clinical testing. Allele origin: germline.

CeGaT Center for Human Genetics Tuebingen
Classification: Likely benign. Last evaluated: 2022-11-01. Review status: criteria provided, single submitter. Criteria: CeGaT Center For Human Genetics Tuebingen Variant Classification Criteria Version 2. Collection method: clinical testing. Allele origin: germline. Affected: yes. Observed: 1 variant allele.
Comment: DOCK2: BP4, BP7